The following is an entry in ClinVar:

NM_001184.4(ATR):c.5894C>T (p.Ser1965Phe)

Gene: ATR (ATR checkpoint kinase; minus strand). Cytogenetic location: 3q23.
Variant type: single nucleotide variant.
Coding change: c.5894C>T on transcript NM_001184.4 (MANE Select); coding-DNA position 5894, C replaced by T.
Protein change: p.Ser1965Phe; replaces serine 1965 with phenylalanine.
Molecular consequence: missense variant.
Genome position (GRCh38, 1-based): chr3:142,496,365, G>A on the plus strand (C>T on the coding strand, the complement: ATR is on the minus strand). VCF-style: chr3-142496365-G-A. GRCh37 (hg19) VCF-style: chr3-142215207-G-A.
Other names: c.5702C>T, p.Ser1901Phe (NM_001354579.2); short protein forms S1965F, S1901F.
Identifiers: ClinVar variation 1750331 (VCV001750331.2), dbSNP rs376314540, ClinGen allele CA354812885.

ClinVar aggregate classification (germline): Uncertain significance (1 of 4 stars; one submission).

Conditions:
Inborn genetic diseases. Identifiers: MedGen C0950123, MeSH D030342.

Allele frequency attached by ClinVar (database versions not stated): gnomAD 0.00001.
gnomAD v4.1: 2 of 1,500,582 alleles (0.00013%); highest among the groups gnomAD compares: African/African-American, 0.0033%; no homozygotes.

Submission:

Ambry Genetics
Classification: Uncertain significance for Inborn genetic diseases. Last evaluated: 2021-10-29. Review status: criteria provided, single submitter. Criteria: Ambry Variant Classification Scheme 2023. Collection method: clinical testing. Allele origin: germline.
Comment: The p.S1965F variant (also known as c.5894C>T), located in coding exon 34 of the ATR gene, results from a C to T substitution at nucleotide position 5894. The serine at codon 1965 is replaced by phenylalanine, an amino acid with highly dissimilar properties. This amino acid position is conserved. In addition, the in silico prediction for this alteration is inconclusive. Since supporting evidence is limited at this time, the clinical significance of this alteration remains unclear.